The following is an entry in ClinVar:

ClinVar aggregate classification (germline): Likely benign (0 of 4 stars; one submission).

Conditions:
DAAM2-related disorder. Also called: DAAM2-related condition.

Allele frequency attached by ClinVar (database versions not stated): gnomAD exomes 0.00010; ExAC 0.00033; ESP Exome Variant Server 0.00083; 1000 Genomes Project 30x 0.00172; gnomAD 0.00107; TOPMed 0.00112; 1000 Genomes Project 0.00140.
gnomAD v4.1: 303 of 1,613,584 alleles (0.019%); highest among the groups gnomAD compares: African/African-American, 0.38%; no homozygotes.

Submission:

PreventionGenetics, part of Exact Sciences
Classification: Likely benign for DAAM2-related condition. Last evaluated: 2019-05-02. Review status: no assertion criteria provided. Collection method: clinical testing. Allele origin: germline.
Comment: This variant is classified as likely benign based on ACMG/AMP sequence variant interpretation guidelines (Richards et al. 2015 PMID: 25741868, with internal and published modifications).

NM_001201427.2(DAAM2):c.1899G>T (p.Arg633=)

Gene: DAAM2 (dishevelled associated activator of morphogenesis 2; plus strand). Cytogenetic location: 6p21.2.
Variant type: single nucleotide variant.
Coding change: c.1899G>T on transcript NM_001201427.2 (MANE Select); coding-DNA position 1899, G replaced by T.
Protein change: p.Arg633=; no amino-acid change (arginine 633 retained).
Molecular consequence: synonymous variant.
Genome position (GRCh38, 1-based): chr6:39,884,015, G>T. VCF-style: chr6-39884015-G-T. GRCh37 (hg19) VCF-style: chr6-39851791-G-T.
Other names: c.1899G>T, p.Arg633= (NM_015345.4).
Identifiers: ClinVar variation 3037577 (VCV003037577.2), dbSNP rs182055289, ClinGen allele CA3795114.